The following is an entry in ClinVar:

ClinVar aggregate classification (germline): Uncertain significance (1 of 4 stars; one submission).

Submission:

CeGaT Center for Human Genetics Tuebingen
Classification: Uncertain significance. Last evaluated: 2026-08-01. Review status: criteria provided, single submitter. Criteria: CeGaT Center For Human Genetics Tuebingen Variant Classification Criteria Version 2. Collection method: clinical testing. Allele origin: germline. Affected: yes. Observed: 1 variant allele.
Comment: HEPHL1: PM2

NM_001098672.2(HEPHL1):c.221A>C (p.Tyr74Ser)

Gene: HEPHL1 (hephaestin like 1; plus strand). Cytogenetic location: 11q21.
Variant type: single nucleotide variant.
Coding change: c.221A>C on transcript NM_001098672.2 (MANE Select); coding-DNA position 221, A replaced by C.
Protein change: p.Tyr74Ser; replaces tyrosine 74 with serine.
Molecular consequence: missense variant.
Genome position (GRCh38, 1-based): chr11:94,045,723, A>C. VCF-style: chr11-94045723-A-C. GRCh37 (hg19) VCF-style: chr11-93778889-A-C.
Other names: short protein forms Y74S.
Identifiers: ClinVar variation 5040648 (VCV005040648.1).